The following is an entry in ClinVar:

ClinVar aggregate classification (germline): Uncertain significance (0 of 4 stars; one submission).

Conditions:
CREBBP-related disorder. Also called: CREBBP-related condition; CREBBP-related disorders.

Submission:

PreventionGenetics, part of Exact Sciences
Classification: Uncertain significance for CREBBP-related condition. Last evaluated: 2024-06-20. Review status: no assertion criteria provided. Collection method: clinical testing. Allele origin: germline.
Comment: The CREBBP c.2303G>T variant is predicted to result in the amino acid substitution p.Arg768Leu. To our knowledge, this variant has not been reported in the literature or in a large population database, indicating this variant is rare. At this time, the clinical significance of this variant is uncertain due to the absence of conclusive functional and genetic evidence.

NM_004380.3(CREBBP):c.2303G>T (p.Arg768Leu)

Gene: CREBBP (CREB binding lysine acetyltransferase; minus strand). Cytogenetic location: 16p13.3.
Variant type: single nucleotide variant.
Coding change: c.2303G>T on transcript NM_004380.3 (MANE Select); coding-DNA position 2303, G replaced by T.
Protein change: p.Arg768Leu; replaces arginine 768 with leucine.
Molecular consequence: missense variant.
Genome position (GRCh38, 1-based): chr16:3,773,911, C>A on the plus strand (G>T on the coding strand, the complement: CREBBP is on the minus strand). VCF-style: chr16-3773911-C-A. GRCh37 (hg19) VCF-style: chr16-3823912-C-A.
Other names: c.2189G>T, p.Arg730Leu (NM_001079846.1); short protein forms R730L, R768L.
Identifiers: ClinVar variation 3346658 (VCV003346658.1).